The following is an entry in ClinVar:

NM_170707.4(LMNA):c.1870C>T (p.Arg624Cys)

Gene: LMNA (lamin A/C; plus strand). Cytogenetic location: 1q22.
Variant type: single nucleotide variant.
Coding change: c.1870C>T on transcript NM_170707.4 (MANE Select); coding-DNA position 1870, C replaced by T.
Protein change: p.Arg624Cys; replaces arginine 624 with cysteine.
Molecular consequence: missense variant. On other transcripts: intron variant (1).
Genome position (GRCh38, 1-based): chr1:156,138,659, C>T. VCF-style: chr1-156138659-C-T. GRCh37 (hg19) VCF-style: chr1-156108450-C-T.
Other names: c.1534C>T, p.Arg512Cys (NM_001257374.3); c.1780C>T, p.Arg594Cys (NM_170708.4); c.1818+52C>T (NM_001282626.2); short protein forms R512C, R594C, R624C.
Identifiers: ClinVar variation 161293 (VCV000161293.12), dbSNP rs140455668, ClinGen allele CA014860.

ClinVar aggregate classification (germline): Uncertain significance. Review status: criteria provided, multiple submitters, no conflicts (2 of 4 stars). 4 submissions from 4 submitters: Uncertain significance (2). 2 of the submissions do not count toward it. Last evaluated 2025-11-09.

Conditions:
Charcot-Marie-Tooth disease. Also called: Charcot-Marie-Tooth Neuropathy; Charcot-Marie-Tooth Hereditary Neuropathy. Identifiers: Orphanet 166, MedGen C0007959, MONDO:0015626.
Charcot-Marie-Tooth disease type 2. Also called: Charcot-Marie-Tooth type 2. Identifiers: Orphanet 64746, MedGen C0270914, MONDO:0018993.

Allele frequency attached by ClinVar (database versions not stated): gnomAD exomes 0.00001; ExAC 0.00001; gnomAD 0.00001; ESP Exome Variant Server 0.00008; 1000 Genomes Project 30x 0.00031; TOPMed 0.00001; 1000 Genomes Project 0.00020.
gnomAD v4.1: 4 of 1,613,580 alleles (0.00025%); highest among the groups gnomAD compares: Middle Eastern, 0.016%; no homozygotes.

Submissions (4):

Labcorp Genetics (formerly Invitae), Labcorp
Classification: Uncertain significance for Charcot-Marie-Tooth disease type 2. Last evaluated: 2025-11-09. Review status: criteria provided, single submitter. Criteria: Invitae Variant Classification Sherloc (09022015). Collection method: clinical testing. Allele origin: germline.
Comment: This sequence change replaces arginine, which is basic and polar, with cysteine, which is neutral and slightly polar, at codon 624 of the LMNA protein (p.Arg624Cys). The frequency data for this variant in the population databases is considered unreliable, as metrics indicate poor data quality at this position in the gnomAD database. This missense change has been observed in individual(s) with Charcot-Marie-Tooth disease and/or clinical features of LMNA-related conditions (PMID: 19424285; internal data). ClinVar contains an entry for this variant (Variation ID: 161293). Invitae Evidence Modeling of protein sequence and biophysical properties (such as structural, functional, and spatial information, amino acid conservation, physicochemical variation, residue mobility, and thermodynamic stability) indicates that this missense variant is expected to disrupt LMNA protein function with a positive predictive value of 95%. In summary, the available evidence is currently insufficient to determine the role of this variant in disease. Therefore, it has been classified as a Variant of Uncertain Significance.

Women's Health and Genetics/Laboratory Corporation of America, LabCorp
Classification: Uncertain significance. Last evaluated: 2022-04-26. Review status: criteria provided, single submitter. Criteria: LabCorp Variant Classification Summary - May 2015. Collection method: clinical testing. Allele origin: germline.
Comment: Variant summary: LMNA c.1870C>T (p.Arg624Cys) results in a non-conservative amino acid change in the encoded protein sequence. Five of five in-silico tools predict a damaging effect of the variant on protein function. The variant allele was found at a frequency of 1.2e-05 in 248100 control chromosomes (gnomAD). The available data on variant occurrences in the general population are insufficient to allow any conclusion about variant significance. c.1870C>T has been reported in the literature in at least one heterozygous individual affected with Charcot-Marie-Tooth disease. This individual did not carry a second LMNA variant, and had a healthy brother and father who were also heterozygous for the variant (Lassuthova_2009). This report does not provide unequivocal conclusions about association of the variant with disease. To our knowledge, no experimental evidence demonstrating an impact on protein function has been reported. However, a minigene splicing assay showed the variant had no impact on normal splicing (Ito_2017). One ClinVar submitter has assessed the variant since 2014: the variant was classified as of uncertain significance. Based on the evidence outlined above, the variant was classified as uncertain significance.

CSER _CC_NCGL, University of Washington
Classification: Uncertain significance for Charcot-Marie-Tooth disease. Last evaluated: 2014-06-01. Review status: no assertion criteria provided. Collection method: research. Allele origin: germline. Inheritance: Autosomal dominant inheritance. Study: ESP 6500 variant annotation. Not counted in ClinVar's aggregate classification.
Comment: Variants classified for the Actionable exomic incidental findings in 6503 participants: challenges of variant classification manuscript

Inherited Neuropathy Consortium
Classification: Uncertain significance for Charcot-Marie-Tooth disease. Review status: no assertion criteria provided. Collection method: literature only. Allele origin: germline. Affected: yes. Not counted in ClinVar's aggregate classification.

Literature cited by the submitters: PubMed 19424285 (cited by 3 submitters); PubMed 28679633 (cited by Women's Health and Genetics/Laboratory Corporation of America, LabCorp).